The following is an entry in ClinVar:

NM_181523.3(PIK3R1):c.1299+4A>G

Gene: PIK3R1 (phosphoinositide-3-kinase regulatory subunit 1; plus strand). Cytogenetic location: 5q13.1.
Variant type: single nucleotide variant.
Coding change: c.1299+4A>G on transcript NM_181523.3 (MANE Select); 4 bases into the intron after coding-DNA position 1299, A replaced by G.
Molecular consequence: intron variant.
Genome position (GRCh38, 1-based): chr5:68,293,487, A>G. VCF-style: chr5-68293487-A-G. GRCh37 (hg19) VCF-style: chr5-67589315-A-G.
Other names: c.399+4A>G (NM_181524.2); c.489+4A>G (NM_181504.4); c.210+4A>G (NM_001242466.2).
Identifiers: ClinVar variation 2077632 (VCV002077632.4), dbSNP rs369235605, ClinGen allele CA3290357.

ClinVar aggregate classification (germline): Uncertain significance (1 of 4 stars; one submission).

Conditions:
SHORT syndrome. Also called: SHORT STATURE, HYPEREXTENSIBILITY, HERNIA, OCULAR DEPRESSION, RIEGER ANOMALY, AND TEETHING DELAY; PIK3R1-Related SHORT Syndrome; LIPODYSTROPHY, PARTIAL, WITH RIEGER ANOMALY AND SHORT STATURE. Identifiers: Orphanet 3163, MedGen C0878684, MONDO:0010026, OMIM 269880.
Agammaglobulinemia 7, autosomal recessive (AGM7). Also called: AGAMMAGLOBULINEMIA, AUTOSOMAL RECESSIVE, DUE TO PIK3R1 DEFECT. Identifiers: MedGen C3554689, MONDO:0014083, OMIM 615214.
Immunodeficiency 36 with lymphoproliferation. Also called: ACTIVATED PI3K-DELTA SYNDROME 2; Immunodeficiency 36; Activated PI3K Delta Syndrome Type 2 (APDS2). Identifiers: Orphanet 397596, Orphanet 693681, MedGen C4014934, MONDO:0014453, OMIM 616005.

Allele frequency attached by ClinVar (database versions not stated): gnomAD 0.00001; gnomAD exomes 0.00002; TOPMed 0.00002; ExAC 0.00003; ESP Exome Variant Server 0.00008.
gnomAD v4.1: 27 of 1,592,974 alleles (0.0017%); highest among the groups gnomAD compares: Admixed American, 0.0051%; no homozygotes.

Submission:

Labcorp Genetics (formerly Invitae), Labcorp
Classification: Uncertain significance for SHORT syndrome; Immunodeficiency 36 with lymphoproliferation; Agammaglobulinemia 7, autosomal recessive. Last evaluated: 2026-01-29. Review status: criteria provided, single submitter. Criteria: Invitae Variant Classification Sherloc (09022015). Collection method: clinical testing. Allele origin: germline.
Comment: This sequence change falls in intron 10 of the PIK3R1 gene. It does not directly change the encoded amino acid sequence of the PIK3R1 protein. It affects a nucleotide within the consensus splice site. This variant is present in population databases (rs369235605, gnomAD 0.005%). This variant has not been reported in the literature in individuals affected with PIK3R1-related conditions. ClinVar contains an entry for this variant (Variation ID: 2077632). Variants that disrupt the consensus splice site are a relatively common cause of aberrant splicing (PMID: 17576681, 9536098). Algorithms developed to predict the effect of sequence changes on RNA splicing suggest that this variant is not likely to affect RNA splicing. In summary, the available evidence is currently insufficient to determine the role of this variant in disease. Therefore, it has been classified as a Variant of Uncertain Significance.

Literature cited by the submitters: PubMed 17576681; PubMed 9536098.